The following is an entry in ClinVar:

ClinVar aggregate classification (germline): Uncertain significance (1 of 4 stars; one submission).

Submission:

Labcorp Genetics (formerly Invitae), Labcorp
Classification: Uncertain significance. Last evaluated: 2022-11-22. Review status: criteria provided, single submitter. Criteria: Invitae Variant Classification Sherloc (09022015). Collection method: clinical testing. Allele origin: germline.
Comment: In summary, the available evidence is currently insufficient to determine the role of this variant in disease. Therefore, it has been classified as a Variant of Uncertain Significance. Experimental studies and prediction algorithms are not available or were not evaluated, and the functional significance of this variant is currently unknown. ClinVar contains an entry for this variant (Variation ID: 1383710). This variant has not been reported in the literature in individuals affected with SAMD9-related conditions. This variant is not present in population databases (gnomAD no frequency). This sequence change creates a premature translational stop signal (p.Asn330Lysfs*69) in the SAMD9 gene. While this is not anticipated to result in nonsense mediated decay, it is expected to disrupt the last 1260 amino acid(s) of the SAMD9 protein.

NM_017654.4(SAMD9):c.990del (p.Asn330fs)

Gene: SAMD9 (sterile alpha motif domain containing 9; minus strand). Cytogenetic location: 7q21.2.
Variant type: Deletion.
Coding change: c.990del on transcript NM_017654.4 (MANE Select); coding-DNA position 990, one base deleted (C; older notation c.990delC).
Protein change: p.Asn330fs; shifts the reading frame from asparagine 330.
Molecular consequence: frameshift variant.
Genome position (GRCh38, 1-based): chr7:93,105,108, G deleted on the plus strand (C on the coding strand, the reverse complement: SAMD9 is on the minus strand). VCF-style (leftmost placement, unchanged base first): chr7-93105107-TG-T. GRCh37 (hg19) VCF-style: chr7-92734420-TG-T.
Other names: c.990del, p.Asn330fs (NM_001193307.2); short protein forms N330fs.
Identifiers: ClinVar variation 1383710 (VCV001383710.6), dbSNP rs2116421045, ClinGen allele CA2573142424.